The following is an entry in ClinVar:

NM_000814.6(GABRB3):c.240G>C (p.Met80Ile)

Gene: GABRB3 (gamma-aminobutyric acid type A receptor subunit beta3; minus strand). Cytogenetic location: 15q12.
Variant type: single nucleotide variant.
Coding change: c.240G>C on transcript NM_000814.6 (MANE Select); coding-DNA position 240, G replaced by C.
Protein change: p.Met80Ile; replaces methionine 80 with isoleucine.
Molecular consequence: missense variant. On other transcripts: 5 prime UTR variant (1).
Genome position (GRCh38, 1-based): chr15:26,772,402, C>G on the plus strand (G>C on the coding strand, the complement: GABRB3 is on the minus strand). VCF-style: chr15-26772402-C-G. GRCh37 (hg19) VCF-style: chr15-27017549-C-G.
Other names: c.-112G>C (NM_001278631.2); c.240G>C, p.Met80Ile (NM_021912.5); short protein forms M80I.
Identifiers: ClinVar variation 1217878 (VCV001217878.3), dbSNP rs2140199021, ClinGen allele CA391465157.

ClinVar aggregate classification (germline): Uncertain significance (1 of 4 stars; one submission).

Submission:

GeneDx
Classification: Uncertain significance. Last evaluated: 2020-04-03. Review status: criteria provided, single submitter. Criteria: GeneDx Variant Classification Process June 2021. Collection method: clinical testing. Allele origin: germline. Affected: yes.
Comment: Not observed in large population cohorts (Lek et al., 2016); In silico analysis supports that this missense variant has a deleterious effect on protein structure/function; Has not been previously published as pathogenic or benign to our knowledge